The following is an entry in ClinVar:

NG_008150.2(CHEK2):g.4991A>G

Gene: CHEK2 (checkpoint kinase 2; minus strand). Cytogenetic location: 22q12.1.
Variant type: single nucleotide variant.
Genome position: GRCh38 VCF-style: chr22-28741876-T-C. GRCh37 (hg19) VCF-style: chr22-29137864-T-C.
Identifiers: ClinVar variation 126906 (VCV000126906.1), dbSNP rs121908697, ClinGen allele CA230679.
Genomic context (GRCh38, chr22:28,741,876, plus strand): 5'-AGAGTGGCGCTAAACCTGCAGATACAAACTCCACCCTCAGCCAATCAAAACCCCCTCCCC[T>C]GCCGCCGGACCAATGAGGAGCAGCAGATGTGGCCGTCAGGCGCCGCCTCAATGCCTCCTG-3'

ClinVar aggregate classification (germline): not provided (0 of 4 stars; one submission).

Submission:

Institute. of Biochemistry and Experimental Oncology, First Faculty of Medicine, Charles University in Prague
No classification provided. Review status: no classification provided. Collection method: not provided. Allele origin: germline.
Comment: Characterized in 1 out of 340 Non-Hodgkin lymphoma patients